The following is an entry in ClinVar:

ClinVar aggregate classification (germline): Pathogenic (1 of 4 stars; one submission).

Conditions:
Neuromuscular disease caused by qualitative or quantitative defects of dystrophin. Also called: Qualitative or quantitative defects of dystrophin. Identifiers: Orphanet 207085, MedGen C5679787, MONDO:0016147.

Submission:

Women's Health and Genetics/Laboratory Corporation of America, LabCorp
Classification: Pathogenic for Dystrophinopathies. Last evaluated: 2020-06-05. Review status: criteria provided, single submitter. Criteria: LabCorp Variant Classification Summary - May 2015. Collection method: clinical testing. Allele origin: germline.
Comment: Variant summary: The variant identified by MLPA or other technology involves the duplication of exons 45-52 in the DMD gene. A presumed nomenclature of c.(6438+1_6439-1)_(7660+1_7661-1)dup has been designated for the purposes of this classification. It has been assumed that this is a tandem duplication in direct orientation (Richardson_GIM_2018, Neuman_AJHG_2015). Although exact breakpoints of this duplication are not known, it is expected to result in a frameshift change in the DMD gene, a known mechanism of disease. The variant was absent in 16120 control chromosomes (gnomAD, Structural Variants dataset). Duplication of exons 45-52 has been reported in the literature in individuals affected with Dystrophinopathies (e.g. Guo_2015, Hwa_2007, Ling_2020, White_2002, 2006). These data indicate that the variant is likely to be associated with disease. To our knowledge, no experimental evidence demonstrating an impact on protein function has been reported. No clinical diagnostic laboratories have submitted clinical-significance assessments for this variant to ClinVar after 2014. Based on the evidence outlined above, the variant was classified as pathogenic.

Literature cited by the submitters: PubMed 16917894; PubMed 31705731; PubMed 12111668; PubMed 25972034; PubMed 17561468.

NC_000023.11:g.(31679587_31729630)_(31968515_32216915)dup

Gene: DMD (dystrophin; minus strand). Cytogenetic location: Xp21.1.
Variant type: Duplication.
Identifiers: ClinVar variation 981991 (VCV000981991.1).